The following is an entry in ClinVar:

ClinVar aggregate classification (germline): Uncertain significance (1 of 4 stars; one submission).

Submission:

Women's Health and Genetics/Laboratory Corporation of America, LabCorp
Classification: Uncertain significance. Last evaluated: 2023-04-10. Review status: criteria provided, single submitter. Criteria: LabCorp Variant Classification Summary - May 2015. Collection method: clinical testing. Allele origin: germline.
Comment: Variant summary: SLC17A5 c.316G>A (p.Glu106Lys) results in a conservative amino acid change located in the major facilitator superfamily domain (IPR020846) of the encoded protein sequence. Four of five in-silico tools predict a benign effect of the variant on protein function. The variant was absent in 251468 control chromosomes (gnomAD). The available data on variant occurrences in the general population are insufficient to allow any conclusion about variant significance. To our knowledge, no occurrence of c.316G>A in individuals affected with Salla Disease and no experimental evidence demonstrating its impact on protein function have been reported. No clinical diagnostic laboratories have submitted clinical-significance assessments for this variant to ClinVar after 2014. Based on the evidence outlined above, the variant was classified as uncertain significance.

NM_012434.5(SLC17A5):c.316G>A (p.Glu106Lys)

Genes: SLC17A5 (solute carrier family 17 member 5; minus strand), LOC132089454 (Neanderthal introgressed variant-containing enhancer experimental_94412; plus strand). Cytogenetic location: 6q13.
Variant type: single nucleotide variant.
Coding change: c.316G>A on transcript NM_012434.5 (MANE Select); coding-DNA position 316, G replaced by A.
Protein change: p.Glu106Lys; replaces glutamic acid 106 with lysine.
Molecular consequence: missense variant.
Genome position (GRCh38, 1-based): chr6:73,641,900, C>T on the plus strand (G>A on the coding strand, the complement: SLC17A5 is on the minus strand). VCF-style: chr6-73641900-C-T. GRCh37 (hg19) VCF-style: chr6-74351623-C-T.
Other names: c.85G>A, p.Glu29Lys (NM_001382629.1, NM_001382636.1); c.316G>A, p.Glu106Lys (NM_001382630.1, NM_001382632.1, NM_001382633.1 and 2 more transcripts); c.337G>A, p.Glu113Lys (NM_001382631.1); c.316G>A (NM_012434.4); short protein forms E106K, E113K, E29K.
Identifiers: ClinVar variation 2504044 (VCV002504044.1), dbSNP rs2533511527, ClinGen allele CA364718332.